The following is an entry in ClinVar:

ClinVar aggregate classification (germline): Likely benign. Review status: criteria provided, multiple submitters, no conflicts (2 of 4 stars). 2 submissions from 2 submitters: Likely benign (2). Last evaluated 2024-09-18.

Conditions:
Oligodontia-cancer predisposition syndrome. Also called: TOOTH AGENESIS-COLORECTAL CANCER SYNDROME. Identifiers: Orphanet 300576, MedGen C1837750, MONDO:0012075, OMIM 608615. Disease mechanism: loss of function.

gnomAD v4.1: 2 of 1,613,570 alleles (0.00012%); highest among the groups gnomAD compares: East Asian, 0.0045%; 1 homozygote.

Submissions (2):

Labcorp Genetics (formerly Invitae), Labcorp
Classification: Likely benign for Oligodontia-cancer predisposition syndrome. Last evaluated: 2024-09-18. Review status: criteria provided, single submitter. Criteria: Invitae Variant Classification Sherloc (09022015). Collection method: clinical testing. Allele origin: germline.

Myriad Genetics, Inc.
Classification: Likely benign for Oligodontia-cancer predisposition syndrome. Last evaluated: 2024-07-11. Review status: criteria provided, single submitter. Criteria: Myriad Autosomal Dominant, Autosomal Recessive and X-Linked Classification Criteria (2023). Collection method: clinical testing. Allele origin: unknown.
Comment: This variant is considered likely benign. This variant is intronic and is not expected to impact mRNA splicing.

NM_004655.4(AXIN2):c.2406-15G>C

Gene: AXIN2 (axin 2; minus strand). Cytogenetic location: 17q24.1.
Variant type: single nucleotide variant.
Coding change: c.2406-15G>C on transcript NM_004655.4 (MANE Select); 15 bases into the intron before coding-DNA position 2406, G replaced by C.
Molecular consequence: intron variant.
Genome position (GRCh38, 1-based): chr17:65,530,117, C>G on the plus strand (G>C on the coding strand, the complement: AXIN2 is on the minus strand). VCF-style: chr17-65530117-C-G. GRCh37 (hg19) VCF-style: chr17-63526235-C-G.
Other names: c.2211-15G>C (NM_001363813.1).
Identifiers: ClinVar variation 3379111 (VCV003379111.3).
Genomic context (GRCh38, chr17:65,530,117, plus strand): 5'-CACCGCTCCACAGGCAAACTCATCGCTTGCTTTTTTGAAGTAATACCTTAAAAGGAAAAC[C>G]AAAAAAGCTTCTTGGTAAACTGCATTTTCCACATTGTTGAAAAGAAAAGCATACCAACAT-3'